The following is an entry in ClinVar:

NM_000051.4(ATM):c.4332del (p.Phe1445fs)

Gene: ATM (ATM serine/threonine kinase; plus strand). Cytogenetic location: 11q22.3.
Variant type: Deletion.
Coding change: c.4332del on transcript NM_000051.4 (MANE Select); coding-DNA position 4332, one base deleted (G; older notation c.4332delG).
Protein change: p.Phe1445fs; shifts the reading frame from phenylalanine 1445.
Molecular consequence: frameshift variant.
Genome position (GRCh38, 1-based): chr11:108,289,697, G deleted. VCF-style (leftmost placement, unchanged base first): chr11-108289696-TG-T. GRCh37 (hg19) VCF-style: chr11-108160423-TG-T.
Other names: c.4332del, p.Phe1445fs (NM_001351834.2); short protein forms F1445fs.
Identifiers: ClinVar variation 1075567 (VCV001075567.7), dbSNP rs2135762420, ClinGen allele CA2499220637.

ClinVar aggregate classification (germline): Pathogenic (1 of 4 stars; one submission).

Conditions:
Ataxia-telangiectasia syndrome (AT). Also called: Cerebello-oculocutaneous telangiectasia; Immunodeficiency with ataxia telangiectasia; ATAXIA-TELANGIECTASIA, FRESNO VARIANT; Ataxia-telangiectasia, complementation group D; Ataxia telangiectasia (A-T); LOUIS-BAR SYNDROME. Identifiers: Orphanet 100, MedGen C0004135, MONDO:0008840, OMIM 208900.

Submission:

Labcorp Genetics (formerly Invitae), Labcorp
Classification: Pathogenic for Ataxia-telangiectasia syndrome. Last evaluated: 2020-04-01. Review status: criteria provided, single submitter. Criteria: Invitae Variant Classification Sherloc (09022015). Collection method: clinical testing. Allele origin: germline.
Comment: Loss-of-function variants in ATM are known to be pathogenic (PMID: 23807571, 25614872). This sequence change creates a premature translational stop signal (p.Phe1445Leufs*6) in the ATM gene. It is expected to result in an absent or disrupted protein product. This variant is not present in population databases (ExAC no frequency). This variant has not been reported in the literature in individuals with ATM-related conditions. For these reasons, this variant has been classified as Pathogenic.

Literature cited by the submitters: PubMed 23807571; PubMed 25614872.